The following is an entry in ClinVar:

ClinVar aggregate classification (germline): Uncertain significance (1 of 4 stars; one submission).

Submission:

GeneDx
Classification: Uncertain significance. Last evaluated: 2019-11-06. Review status: criteria provided, single submitter. Criteria: GeneDx Variant Classification Process June 2021. Collection method: clinical testing. Allele origin: germline. Affected: yes.
Comment: Not observed in large population cohorts (Lek et al., 2016); In silico analysis, which includes protein predictors and evolutionary conservation, supports that this variant does not alter protein structure/function; Has not been previously published as pathogenic or benign to our knowledge

NM_004977.3(KCNC3):c.634A>G (p.Asn212Asp)

Gene: KCNC3 (potassium voltage-gated channel subfamily C member 3; minus strand). Cytogenetic location: 19q13.33.
Variant type: single nucleotide variant.
Coding change: c.634A>G on transcript NM_004977.3 (MANE Select); coding-DNA position 634, A replaced by G.
Protein change: p.Asn212Asp; replaces asparagine 212 with aspartic acid.
Molecular consequence: missense variant.
Genome position (GRCh38, 1-based): chr19:50,328,449, T>C on the plus strand (A>G on the coding strand, the complement: KCNC3 is on the minus strand). VCF-style: chr19-50328449-T-C. GRCh37 (hg19) VCF-style: chr19-50831706-T-C.
Other names: c.406A>G, p.Asn136Asp (NM_001372305.1); short protein forms N136D, N212D.
Identifiers: ClinVar variation 1309681 (VCV001309681.2), dbSNP rs2123545959, ClinGen allele CA406954649.